The following is an entry in ClinVar:

ClinVar aggregate classification (germline): Uncertain significance (0 of 4 stars; one submission).

Allele frequency attached by ClinVar (database versions not stated): 1000 Genomes Project 30x 0.00016; 1000 Genomes Project 0.00020; gnomAD 0.00044 and 0.00047; TOPMed 0.00045; gnomAD exomes 0.00050 and 0.00058; ExAC 0.00062; ESP Exome Variant Server 0.00092.
gnomAD v4.1: 861 of 1,543,156 alleles (0.056%); highest among the groups gnomAD compares: Non-Finnish European, 0.074%; no homozygotes.

Submission:

Department of Pathology and Laboratory Medicine, Sinai Health System
Classification: Uncertain significance. Review status: no assertion criteria provided. Collection method: clinical testing. Allele origin: unknown. Affected: yes. Study: The Canadian Open Genetics Repository (COGR).
Comment: The SLC6A2 c.1022+5G>C variant was not identified in the literature nor was it identified in ClinVar, Cosmic or LOVD 3.0. The variant was identified in dbSNP (ID: rs200194488) and in control databases in 136 of 282818 chromosomes at a frequency of 0.000481 increasing the likelihood this could be a low frequency benign variant (Genome Aggregation Database Feb 27, 2017). The variant was observed in the following populations: European (non-Finnish) in 126 of 129132 chromosomes (freq: 0.000976), European (Finnish) in 5 of 25122 chromosomes (freq: 0.000199), Other in 1 of 7222 chromosomes (freq: 0.000139), Latino in 3 of 35440 chromosomes (freq: 0.000085) and African in 1 of 24968 chromosomes (freq: 0.00004), while the variant was not observed in the Ashkenazi Jewish, East Asian, and South Asian populations. The c.1022+5G>C variant is located in the 5' splice region but does not affect the invariant +1 and +2 positions. However, positions +3 to +6 are part of the splicing consensus sequence and variants involving these positions sometimes affect splicing. In addition, 3 of 4 in silico or computational prediction software programs (SpliceSiteFinder, MaxEntScan, NNSPLICE) predict a greater than 10% difference in splicing. In summary, based on the above information the clinical significance of this variant cannot be determined with certainty at this time. This variant is classified as a variant of uncertain significance.

NM_001172501.3(SLC6A2):c.1022+5G>C

Gene: SLC6A2 (solute carrier family 6 member 2; plus strand). Cytogenetic location: 16q12.2.
Variant type: single nucleotide variant.
Coding change: c.1022+5G>C on transcript NM_001172501.3 (MANE Select); 5 bases into the intron after coding-DNA position 1022, G replaced by C.
Molecular consequence: intron variant.
Genome position (GRCh38, 1-based): chr16:55,694,118, G>C. VCF-style: chr16-55694118-G-C. GRCh37 (hg19) VCF-style: chr16-55728030-G-C.
Other names: c.1022+5G>C (NM_001043.3, NM_001172504.1); c.707+5G>C (NM_001172502.1).
Identifiers: ClinVar variation 1049763 (VCV001049763.1), dbSNP rs200194488, ClinGen allele CA8061631.